The following is an entry in ClinVar:

NM_002788.4(PSMA3):c.374T>A (p.Leu125His)

Gene: PSMA3 (proteasome 20S subunit alpha 3; plus strand). Cytogenetic location: 14q23.1.
Variant type: single nucleotide variant.
Coding change: c.374T>A on transcript NM_002788.4 (MANE Select); coding-DNA position 374, T replaced by A.
Protein change: p.Leu125His; replaces leucine 125 with histidine.
Molecular consequence: missense variant. On other transcripts: non-coding transcript variant (1).
Genome position (GRCh38, 1-based): chr14:58,257,968, T>A. VCF-style: chr14-58257968-T-A. GRCh37 (hg19) VCF-style: chr14-58724686-T-A.
Other names: c.374T>A, p.Leu125His (NM_152132.3); short protein forms L125H.
Identifiers: ClinVar variation 2813482 (VCV002813482.3), dbSNP rs747505469, ClinGen allele CA389848687.

ClinVar aggregate classification (germline): Uncertain significance (1 of 4 stars; one submission).

Submission:

Labcorp Genetics (formerly Invitae), Labcorp
Classification: Uncertain significance. Last evaluated: 2023-10-03. Review status: criteria provided, single submitter. Criteria: Invitae Variant Classification Sherloc (09022015). Collection method: clinical testing. Allele origin: germline.
Comment: This sequence change replaces leucine, which is neutral and non-polar, with histidine, which is basic and polar, at codon 125 of the PSMA3 protein (p.Leu125His). This variant is not present in population databases (gnomAD no frequency). This variant has not been reported in the literature in individuals affected with PSMA3-related conditions. An algorithm developed to predict the effect of missense changes on protein structure and function (PolyPhen-2) suggests that this variant is likely to be disruptive. In summary, the available evidence is currently insufficient to determine the role of this variant in disease. Therefore, it has been classified as a Variant of Uncertain Significance.